The following is an entry in ClinVar:

NM_024675.4(PALB2):c.2299G>A (p.Val767Ile)

Gene: PALB2 (partner and localizer of BRCA2; minus strand). Cytogenetic location: 16p12.2.
Variant type: single nucleotide variant.
Coding change: c.2299G>A on transcript NM_024675.4 (MANE Select); coding-DNA position 2299, G replaced by A.
Protein change: p.Val767Ile; replaces valine 767 with isoleucine.
Molecular consequence: missense variant.
Genome position (GRCh38, 1-based): chr16:23,629,855, C>T on the plus strand (G>A on the coding strand, the complement: PALB2 is on the minus strand). VCF-style: chr16-23629855-C-T. GRCh37 (hg19) VCF-style: chr16-23641176-C-T.
Other names: c.2299G>A (NM_024675.3); short protein forms V767I.
Identifiers: ClinVar variation 1514737 (VCV001514737.8), dbSNP rs1312270645, ClinGen allele CA395125278.

ClinVar aggregate classification (germline): Uncertain significance. Review status: criteria provided, multiple submitters, no conflicts (2 of 4 stars). 2 submissions from 2 submitters: Uncertain significance (2). Last evaluated 2024-12-10.

Conditions:
Hereditary cancer-predisposing syndrome. Also called: Tumor predisposition; Neoplastic Syndromes, Hereditary; Hereditary neoplastic syndrome; Hereditary Cancer Syndrome. Identifiers: Orphanet 140162, MedGen C0027672, MeSH D009386, MONDO:0015356.
Familial cancer of breast. Also called: Hereditary breast cancer; hereditary breast carcinoma; BREAST CANCER, FAMILIAL. Identifiers: Orphanet 227535, MedGen C0346153, MONDO:0016419, OMIM 114480. Disease mechanism: loss of function.

Allele frequency attached by ClinVar (database versions not stated): TOPMed 0.00001.

Submissions (2):

Ambry Genetics
Classification: Uncertain significance for Hereditary cancer-predisposing syndrome. Last evaluated: 2024-12-10. Review status: criteria provided, single submitter. Criteria: Ambry Variant Classification Scheme 2023. Collection method: clinical testing. Allele origin: germline.
Comment: The p.V767I variant (also known as c.2299G>A), located in coding exon 5 of the PALB2 gene, results from a G to A substitution at nucleotide position 2299. The valine at codon 767 is replaced by isoleucine, an amino acid with highly similar properties. This amino acid position is conserved. In addition, this alteration is predicted to be tolerated by in silico analysis. Based on the available evidence, the clinical significance of this variant remains unclear.

Labcorp Genetics (formerly Invitae), Labcorp
Classification: Uncertain significance for Familial cancer of breast. Last evaluated: 2021-08-23. Review status: criteria provided, single submitter. Criteria: Invitae Variant Classification Sherloc (09022015). Collection method: clinical testing. Allele origin: germline.
Comment: This sequence change replaces valine with isoleucine at codon 767 of the PALB2 protein (p.Val767Ile). The valine residue is weakly conserved and there is a small physicochemical difference between valine and isoleucine. This variant is not present in population databases (ExAC no frequency). This variant has not been reported in the literature in individuals affected with PALB2-related conditions. Algorithms developed to predict the effect of missense changes on protein structure and function output the following: SIFT: "Tolerated"; PolyPhen-2: "Benign"; Align-GVGD: "Class C0". The isoleucine amino acid residue is found in multiple mammalian species, which suggests that this missense change does not adversely affect protein function. In summary, the available evidence is currently insufficient to determine the role of this variant in disease. Therefore, it has been classified as a Variant of Uncertain Significance.